The following is an entry in ClinVar:

ClinVar aggregate classification (germline): Uncertain significance (1 of 4 stars; one submission).

Conditions:
Congenital insensitivity to pain-hypohidrosis syndrome. Also called: HSAN VIII; Neuropathy, hereditary sensory and autonomic, type VIII. Identifiers: Orphanet 478664, MedGen C4225308, MONDO:0014662, OMIM 616488.

Submission:

Labcorp Genetics (formerly Invitae), Labcorp
Classification: Uncertain significance for Congenital insensitivity to pain-hypohidrosis syndrome. Last evaluated: 2022-02-05. Review status: criteria provided, single submitter. Criteria: Invitae Variant Classification Sherloc (09022015). Collection method: clinical testing. Allele origin: germline.
Comment: This variant is not present in population databases (gnomAD no frequency). In summary, the available evidence is currently insufficient to determine the role of this variant in disease. Therefore, it has been classified as a Variant of Uncertain Significance. Algorithms developed to predict the effect of missense changes on protein structure and function are either unavailable or do not agree on the potential impact of this missense change (SIFT: "Deleterious"; PolyPhen-2: "Benign"; Align-GVGD: "Class C0"). This variant has not been reported in the literature in individuals affected with PRDM12-related conditions. This sequence change replaces cysteine, which is neutral and slightly polar, with arginine, which is basic and polar, at codon 130 of the PRDM12 protein (p.Cys130Arg).

NM_021619.3(PRDM12):c.388T>C (p.Cys130Arg)

Genes: PRDM12 (PR/SET domain 12; plus strand), LOC126860775 (CDK7 strongly-dependent group 2 enhancer GRCh37_chr9:133541982-133543181; plus strand). Cytogenetic location: 9q34.12.
Variant type: single nucleotide variant.
Coding change: c.388T>C on transcript NM_021619.3 (MANE Select); coding-DNA position 388, T replaced by C.
Protein change: p.Cys130Arg; replaces cysteine 130 with arginine.
Molecular consequence: missense variant.
Genome position (GRCh38, 1-based): chr9:130,666,772, T>C. VCF-style: chr9-130666772-T-C. GRCh37 (hg19) VCF-style: chr9-133542159-T-C.
Other names: short protein forms C130R.
Identifiers: ClinVar variation 2093520 (VCV002093520.4), dbSNP rs2490724046, ClinGen allele CA375246689.
Genomic context (GRCh38, chr9:130,666,772, plus strand): 5'-GCGGGAACCGAGATGGGCCCCTTCACCGGCCGCGTGATCGCCCCGGAGCACGTGGACATC[T>C]GCAAGAACAACAACCTCATGTGGGAGGTACGCGCGGGCTGGGGCAGAGGGGCGCAAGGGC-3'
Protein context (NP_067632.2, residues 120-140): RVIAPEHVDI[Cys130Arg]KNNNLMWEVF